The following is an entry in ClinVar:

ClinVar aggregate classification (germline): Uncertain significance. Review status: criteria provided, multiple submitters, no conflicts (2 of 4 stars). 2 submissions from 2 submitters: Uncertain significance (2). Last evaluated 2025-12-15.

Conditions:
Inborn genetic diseases. Identifiers: MedGen C0950123, MeSH D030342.

gnomAD v4.1: 161 of 1,614,178 alleles (0.01%); highest among the groups gnomAD compares: Non-Finnish European, 0.012%; no homozygotes.

Submissions (2):

Labcorp Genetics (formerly Invitae), Labcorp
Classification: Uncertain significance. Last evaluated: 2025-12-15. Review status: criteria provided, single submitter. Criteria: Invitae Variant Classification Sherloc (09022015). Collection method: clinical testing. Allele origin: germline.
Comment: This sequence change replaces serine, which is neutral and polar, with phenylalanine, which is neutral and non-polar, at codon 601 of the MAPKBP1 protein (p.Ser601Phe). This variant is present in population databases (rs768940015, gnomAD 0.05%). This variant has not been reported in the literature in individuals affected with MAPKBP1-related conditions. ClinVar contains an entry for this variant (Variation ID: 3543237). An algorithm developed to predict the effect of missense changes on protein structure and function (PolyPhen-2) suggests that this variant is likely to be tolerated. In summary, the available evidence is currently insufficient to determine the role of this variant in disease. Therefore, it has been classified as a Variant of Uncertain Significance.

Ambry Genetics
Classification: Uncertain significance for Inborn genetic diseases. Last evaluated: 2024-06-26. Review status: criteria provided, single submitter. Criteria: Ambry Variant Classification Scheme 2023. Collection method: clinical testing. Allele origin: germline.

NM_014994.3(MAPKBP1):c.1784C>T (p.Ser595Phe)

Gene: MAPKBP1 (mitogen-activated protein kinase binding protein 1; plus strand). Cytogenetic location: 15q15.1.
Variant type: single nucleotide variant.
Coding change: c.1784C>T on transcript NM_014994.3 (MANE Select); coding-DNA position 1784, C replaced by T.
Protein change: p.Ser595Phe; replaces serine 595 with phenylalanine.
Molecular consequence: missense variant. On other transcripts: non-coding transcript variant (2).
Genome position (GRCh38, 1-based): chr15:41,817,615, C>T. VCF-style: chr15-41817615-C-T. GRCh37 (hg19) VCF-style: chr15-42109813-C-T.
Other names: c.1802C>T, p.Ser601Phe (NM_001128608.2); c.1784C>T, p.Ser595Phe (NM_001265611.2); short protein forms S595F, S601F.
Identifiers: ClinVar variation 3543237 (VCV003543237.2).
Genomic context (GRCh38, chr15:41,817,615, plus strand): 5'-CTCTTGGGGCCTGGTGAGGCATTTGGGTGTGGGCCTGCCCACATGCTCCACCCCTGCAGT[C>T]TGGAGATGGAGTGCAGTTCACACGGACACACCACGTGGTGCGGAAGACGACCCTCTATGA-3'
Protein context (NP_055809.2, residues 585-605): KSIYFRTAQK[Ser595Phe]GDGVQFTRTH